The following is an entry in ClinVar:

NM_001048174.2(MUTYH):c.1337G>A (p.Arg446His)

Gene: MUTYH (mutY DNA glycosylase; minus strand). Cytogenetic location: 1p34.1.
Variant type: single nucleotide variant.
Coding change: c.1337G>A on transcript NM_001048174.2 (MANE Select); coding-DNA position 1337, G replaced by A.
Protein change: p.Arg446His; replaces arginine 446 with histidine.
Molecular consequence: missense variant. On other transcripts: non-coding transcript variant (2).
Genome position (GRCh38, 1-based): chr1:45,331,237, C>T on the plus strand (G>A on the coding strand, the complement: MUTYH is on the minus strand). VCF-style: chr1-45331237-C-T. GRCh37 (hg19) VCF-style: chr1-45796909-C-T.
Other names: c.1337G>A, p.Arg446His (NM_001048171.2, NM_001048173.2, NM_001293195.2); c.1340G>A, p.Arg447His (NM_001048172.2); c.1421G>A, p.Arg474His (NM_001128425.2); c.1382G>A, p.Arg461His (NM_001293190.2); c.1370G>A, p.Arg457His (NM_001293191.2); c.1061G>A, p.Arg354His (NM_001293192.2, NM_001293196.2); c.992G>A, p.Arg331His (NM_001350650.2, NM_001350651.2); c.1412G>A, p.Arg471His (NM_012222.3); short protein forms R474H, R446H, R457H, R471H, R331H, R447H, R461H, R354H.
Identifiers: ClinVar variation 187172 (VCV000187172.24), dbSNP rs764276907, ClinGen allele CA012768.

ClinVar aggregate classification (germline): Conflicting classifications of pathogenicity. Review status: criteria provided, conflicting classifications (1 of 4 stars). 7 submissions from 7 submitters: Uncertain significance (6); Likely benign (1). Last evaluated 2025-09-09.

Conditions:
Hereditary cancer-predisposing syndrome. Also called: Tumor predisposition; Neoplastic Syndromes, Hereditary; Hereditary neoplastic syndrome; Hereditary Cancer Syndrome. Identifiers: Orphanet 140162, MedGen C0027672, MeSH D009386, MONDO:0015356.
Familial adenomatous polyposis 2. Also called: COLORECTAL ADENOMATOUS POLYPOSIS, AUTOSOMAL RECESSIVE; ADENOMAS, MULTIPLE COLORECTAL, AUTOSOMAL RECESSIVE; FAP type 2; MYH-associated polyposis; MUTYH-related attenuated familial adenomatous polyposis; Adenomas, multiple colorectal. Identifiers: Orphanet 220460, Orphanet 247798, MedGen C3272841, MONDO:0012041, OMIM 608456.

Allele frequency attached by ClinVar (database versions not stated): TOPMed 0.00003.
gnomAD v4.1: 18 of 1,614,098 alleles (0.0011%); highest among the groups gnomAD compares: Non-Finnish European, 0.0015%; no homozygotes.

Submissions (7):

Ambry Genetics
Classification: Likely benign for Hereditary cancer-predisposing syndrome. Last evaluated: 2025-09-09. Review status: criteria provided, single submitter. Criteria: Ambry Variant Classification Scheme 2023. Collection method: clinical testing. Allele origin: germline.

Labcorp Genetics (formerly Invitae), Labcorp
Classification: Uncertain significance for Familial adenomatous polyposis 2. Last evaluated: 2025-08-17. Review status: criteria provided, single submitter. Criteria: Invitae Variant Classification Sherloc (09022015). Collection method: clinical testing. Allele origin: germline.
Comment: This sequence change replaces arginine, which is basic and polar, with histidine, which is basic and polar, at codon 474 of the MUTYH protein (p.Arg474His). This variant is present in population databases (rs764276907, gnomAD 0.0009%). This variant has not been reported in the literature in individuals affected with MUTYH-related conditions. ClinVar contains an entry for this variant (Variation ID: 187172). An algorithm developed to predict the effect of missense changes on protein structure and function (PolyPhen-2) suggests that this variant is likely to be disruptive. In summary, the available evidence is currently insufficient to determine the role of this variant in disease. Therefore, it has been classified as a Variant of Uncertain Significance.

Baylor Genetics
Classification: Uncertain significance for Familial adenomatous polyposis 2. Last evaluated: 2024-03-11. Review status: criteria provided, single submitter. Criteria: ACMG Guidelines, 2015. Collection method: clinical testing. Allele origin: unknown.

Color Diagnostics, LLC DBA Color Health
Classification: Uncertain significance for Hereditary cancer-predisposing syndrome. Last evaluated: 2023-09-12. Review status: criteria provided, single submitter. Criteria: ACMG Guidelines, 2015. Collection method: clinical testing. Allele origin: germline.
Comment: This missense variant replaces arginine with histidine at codon 474 of the MUTYH protein. Computational prediction suggests that this variant may not impact protein structure and function (internally defined REVEL score threshold <= 0.5, PMID: 27666373). To our knowledge, functional studies have not been reported for this variant. In a large international case-control study, this variant was reported in 2/60466 breast cancer cases and absent in 53461 controls (PMID: 33471991). This variant has been identified in 1/251490 chromosomes in the general population by the Genome Aggregation Database (gnomAD). The available evidence is insufficient to determine the role of this variant in disease conclusively. Therefore, this variant is classified as a Variant of Uncertain Significance.

Blueprint Genetics
Classification: Uncertain significance. Last evaluated: 2023-07-11. Review status: criteria provided, single submitter. Criteria: ACMG Guidelines, 2015. Collection method: clinical testing. Allele origin: germline.

GeneDx
Classification: Uncertain significance. Last evaluated: 2022-09-23. Review status: criteria provided, single submitter. Criteria: GeneDx Variant Classification Process June 2021. Collection method: clinical testing. Allele origin: germline. Affected: yes.
Comment: Not observed at significant frequency in large population cohorts (gnomAD); Has not been previously published as pathogenic or benign to our knowledge; This variant is associated with the following publications: (PMID: 23108399)

Quest Diagnostics Nichols Institute San Juan Capistrano
Classification: Uncertain significance. Last evaluated: 2021-06-28. Review status: criteria provided, single submitter. Criteria: Quest Diagnostics criteria. Collection method: clinical testing. Allele origin: unknown.

Literature cited by the submitters: PubMed 40738107 (cited by Ambry Genetics); PubMed 33471991 (cited by Color Diagnostics, LLC DBA Color Health).